The following is an entry in ClinVar:

ClinVar aggregate classification (germline): Uncertain significance (1 of 4 stars; one submission).

Submission:

GeneDx
Classification: Uncertain significance. Last evaluated: 2019-04-10. Review status: criteria provided, single submitter. Criteria: GeneDx Variant Classification Process June 2021. Collection method: clinical testing. Allele origin: germline. Affected: yes.
Comment: Not observed in large population cohorts (Lek et al., 2016); In silico analysis, which includes protein predictors and evolutionary conservation, supports that this variant does not alter protein structure/function; Has not been previously published as pathogenic or benign to our knowledge

NM_005422.4(TECTA):c.3619G>C (p.Val1207Leu)

Genes: TBCEL-TECTA (TBCEL-TECTA readthrough; plus strand), TECTA (tectorin alpha; plus strand). Cytogenetic location: 11q23.3.
Variant type: single nucleotide variant.
Coding change: c.3619G>C on transcript NM_005422.4 (MANE Select); coding-DNA position 3619, G replaced by C.
Protein change: p.Val1207Leu; replaces valine 1207 with leucine.
Molecular consequence: missense variant.
Genome position (GRCh38, 1-based): chr11:121,145,630, G>C. VCF-style: chr11-121145630-G-C. GRCh37 (hg19) VCF-style: chr11-121016339-G-C.
Other names: c.4576G>C, p.Val1526Leu (NM_001378761.1); short protein forms V1207L, V1526L.
Identifiers: ClinVar variation 1304813 (VCV001304813.2), dbSNP rs746231346, ClinGen allele CA229831182.